The following is an entry in ClinVar:

NM_001379286.1(ZNF423):c.3379G>A (p.Gly1127Ser)

Gene: ZNF423 (zinc finger protein 423; minus strand). Cytogenetic location: 16q12.1.
Variant type: single nucleotide variant.
Coding change: c.3379G>A on transcript NM_001379286.1 (MANE Select); coding-DNA position 3379, G replaced by A.
Protein change: p.Gly1127Ser; replaces glycine 1127 with serine.
Molecular consequence: missense variant.
Genome position (GRCh38, 1-based): chr16:49,635,797, C>T on the plus strand (G>A on the coding strand, the complement: ZNF423 is on the minus strand). VCF-style: chr16-49635797-C-T. GRCh37 (hg19) VCF-style: chr16-49669708-C-T.
Other names: c.3175G>A, p.Gly1059Ser (NM_001271620.2); c.3004G>A, p.Gly1002Ser (NM_001330533.2); c.3355G>A, p.Gly1119Ser (NM_015069.5); short protein forms G1002S, G1119S, G1127S, G1059S.
Identifiers: ClinVar variation 1440898 (VCV001440898.7), dbSNP rs146352545, ClinGen allele CA8046309.
Genomic context (GRCh38, chr16:49,635,797, plus strand): 5'-TGTGGCTCTCCAGGTCTTCGGCACTCTCAAACTTGACACTGCACTCGGGGCAACGGAGGC[C>T]GGCACAGGGCCGGTCGGCGGGCTCGGGCGGGGCCAGGCCACCCACCTGTCCGTTGGCGCT-3'
Protein context (NP_001366215.1, residues 1117-1137): PPEPADRPCA[Gly1127Ser]LRCPECSVKF

ClinVar aggregate classification (germline): Uncertain significance (1 of 4 stars; one submission).

Conditions:
Nephronophthisis 14 (NPHP14). Identifiers: Orphanet 2318, MedGen C3539071, MONDO:0013916, OMIM 614844.

Allele frequency attached by ClinVar (database versions not stated): gnomAD 0.00003 and 0.00004; TOPMed 0.00005; ESP Exome Variant Server 0.00008; 1000 Genomes Project 30x 0.00016; 1000 Genomes Project 0.00020.
gnomAD v4.1: 46 of 1,611,896 alleles (0.0029%); highest among the groups gnomAD compares: East Asian, 0.051%; no homozygotes.

Submission:

Labcorp Genetics (formerly Invitae), Labcorp
Classification: Uncertain significance for Nephronophthisis 14. Last evaluated: 2025-01-06. Review status: criteria provided, single submitter. Criteria: Invitae Variant Classification Sherloc (09022015). Collection method: clinical testing. Allele origin: germline.
Comment: This sequence change replaces glycine, which is neutral and non-polar, with serine, which is neutral and polar, at codon 1119 of the ZNF423 protein (p.Gly1119Ser). This variant is present in population databases (rs146352545, gnomAD 0.03%). This variant has not been reported in the literature in individuals affected with ZNF423-related conditions. ClinVar contains an entry for this variant (Variation ID: 1440898). Invitae Evidence Modeling of protein sequence and biophysical properties (such as structural, functional, and spatial information, amino acid conservation, physicochemical variation, residue mobility, and thermodynamic stability) indicates that this missense variant is not expected to disrupt ZNF423 protein function with a negative predictive value of 80%. In summary, the available evidence is currently insufficient to determine the role of this variant in disease. Therefore, it has been classified as a Variant of Uncertain Significance.